The following is an entry in ClinVar:

NM_178314.5(RILPL1):c.15G>T (p.Arg5=)

Gene: RILPL1 (Rab interacting lysosomal protein like 1; minus strand). Cytogenetic location: 12q24.31.
Variant type: single nucleotide variant.
Coding change: c.15G>T on transcript NM_178314.5 (MANE Select); coding-DNA position 15, G replaced by T.
Protein change: p.Arg5=; no amino-acid change (arginine 5 retained).
Molecular consequence: synonymous variant.
Genome position (GRCh38, 1-based): chr12:123,533,468, C>A on the plus strand (G>T on the coding strand, the complement: RILPL1 is on the minus strand). VCF-style: chr12-123533468-C-A. GRCh37 (hg19) VCF-style: chr12-124018015-C-A.
Other names: c.15G>T, p.Arg5= (NM_001319243.2).
Identifiers: ClinVar variation 4981882 (VCV004981882.1).

ClinVar aggregate classification (germline): Likely benign (1 of 4 stars; one submission).

Conditions:
RILPL1-related disorder. Also called: RILPL1-related condition.

gnomAD v4.1: 6 of 1,527,126 alleles (0.00039%); highest among the groups gnomAD compares: East Asian, 0.0049%; no homozygotes.

Submission:

PreventionGenetics, part of Exact Sciences
Classification: Likely benign for RILPL1-related condition. Last evaluated: 2026-03-15. Review status: criteria provided, single submitter. Criteria: ACMG Guidelines, 2015. Collection method: clinical testing. Allele origin: germline.
Comment: This variant is classified as likely benign based on ACMG/AMP sequence variant interpretation guidelines (Richards et al. 2015 PMID: 25741868, with internal and published modifications).